The following is an entry in ClinVar:

ClinVar aggregate classification (germline): Uncertain significance (1 of 4 stars; one submission).

gnomAD v4.1: 19 of 1,613,812 alleles (0.0012%); highest among the groups gnomAD compares: South Asian, 0.019%; no homozygotes.

Submission:

Labcorp Genetics (formerly Invitae), Labcorp
Classification: Uncertain significance. Last evaluated: 2025-02-10. Review status: criteria provided, single submitter. Criteria: Invitae Variant Classification Sherloc (09022015). Collection method: clinical testing. Allele origin: germline.
Comment: This sequence change replaces isoleucine, which is neutral and non-polar, with threonine, which is neutral and polar, at codon 193 of the MATN3 protein (p.Ile193Thr). This variant is present in population databases (rs751612128, gnomAD 0.02%). This variant has not been reported in the literature in individuals affected with MATN3-related conditions. ClinVar contains an entry for this variant (Variation ID: 2089476). Invitae Evidence Modeling of protein sequence and biophysical properties (such as structural, functional, and spatial information, amino acid conservation, physicochemical variation, residue mobility, and thermodynamic stability) indicates that this missense variant is not expected to disrupt MATN3 protein function with a negative predictive value of 80%. In summary, the available evidence is currently insufficient to determine the role of this variant in disease. Therefore, it has been classified as a Variant of Uncertain Significance.

NM_002381.5(MATN3):c.578T>C (p.Ile193Thr)

Gene: MATN3 (matrilin 3; minus strand). Cytogenetic location: 2p24.1.
Variant type: single nucleotide variant.
Coding change: c.578T>C on transcript NM_002381.5 (MANE Select); coding-DNA position 578, T replaced by C.
Protein change: p.Ile193Thr; replaces isoleucine 193 with threonine.
Molecular consequence: missense variant.
Genome position (GRCh38, 1-based): chr2:20,005,956, A>G on the plus strand (T>C on the coding strand, the complement: MATN3 is on the minus strand). VCF-style: chr2-20005956-A-G. GRCh37 (hg19) VCF-style: chr2-20205717-A-G.
Other names: short protein forms I193T.
Identifiers: ClinVar variation 2089476 (VCV002089476.4), dbSNP rs751612128, ClinGen allele CA1543947.
Genomic context (GRCh38, chr2:20,005,956, plus strand): 5'-GATGCTTGGGCCCGAGCCGCCACCTCATTCACCTGGTCCTGGGGCCTCCCATCTGTAACA[A>G]TGATGGCCACCTTAGGGATGTTAGAAGAGGGCTCTCGAGCCCCTGCCTCCACTGTGAAGG-3'
Protein context (NP_002372.1, residues 183-203): PSSNIPKVAI[Ile193Thr]VTDGRPQDQV